The following is an entry in ClinVar:

NM_020702.5(MYORG):c.703GCC[1] (p.Ala236del)

Gene: MYORG (myogenesis regulating glycosidase; minus strand). Cytogenetic location: 9p13.3.
Variant type: Microsatellite.
Coding change: c.703GCC[1] on transcript NM_020702.5 (MANE Select); one copy of the 3-base unit GCC starting at c.703; the reference has two copies in a row; one copy, 3 bases deleted.
Protein change: p.Ala236del; deletes alanine 236.
Molecular consequence: inframe deletion.
Genome position (GRCh38, 1-based): chr9:34,372,236-34,372,238, GGC deleted on the plus strand (GCC on the coding strand, the reverse complement: MYORG is on the minus strand); deleting any 3 consecutive bases within chr9:34,372,236-34,372,241 gives the same sequence; the position shown is the placement nearest the transcript's 3' end. VCF-style (leftmost placement, unchanged base first): chr9-34372235-TGGC-T. GRCh37 (hg19) VCF-style: chr9-34372233-TGGC-T.
Other names: short protein forms A236del.
Identifiers: ClinVar variation 2571333 (VCV002571333.27), dbSNP rs1563982376, ClinGen allele CA587567773.

ClinVar aggregate classification (germline): Uncertain significance (1 of 4 stars; one submission).

Submission:

CeGaT Center for Human Genetics Tuebingen
Classification: Uncertain significance. Last evaluated: 2025-08-01. Review status: criteria provided, single submitter. Criteria: CeGaT Center For Human Genetics Tuebingen Variant Classification Criteria Version 2. Collection method: clinical testing. Allele origin: germline. Affected: yes. Observed: 2 variant alleles.
Comment: MYORG: PM2, PM3:Supporting, PM4:Supporting, PP4